The following is an entry in ClinVar:

ClinVar aggregate classification (germline): Pathogenic (1 of 4 stars; one submission).

Conditions:
Epilepsy, familial focal, with variable foci 3 (FFEVF3). Identifiers: MedGen C4310708, MONDO:0014925, OMIM 617118.

Submission:

Labcorp Genetics (formerly Invitae), Labcorp
Classification: Pathogenic for Epilepsy, familial focal, with variable foci 3. Last evaluated: 2022-12-12. Review status: criteria provided, single submitter. Criteria: Invitae Variant Classification Sherloc (09022015). Collection method: clinical testing. Allele origin: germline.
Comment: For these reasons, this variant has been classified as Pathogenic. This variant has not been reported in the literature in individuals affected with NPRL3-related conditions. This variant is a gross deletion of the genomic region encompassing exon(s) 8-11 of the NPRL3 gene. This deletion is out-of-frame, and is expected to create a premature termination codon and result in an absent or disrupted protein product. Loss-of-function variants in NPRL3 are known to be pathogenic (PMID: 26285051, 26505888).

Literature cited by the submitters: PubMed 26285051; PubMed 26505888.

NC_000016.9:g.(?_142574)_(150527_?)del

Gene: NPRL3 (NPR3 like, GATOR1 complex subunit; minus strand). Cytogenetic location: 16p13.3.
Variant type: Deletion.
Identifiers: ClinVar variation 2423602 (VCV002423602.4).